The following is an entry in ClinVar:

NM_032119.4(ADGRV1):c.7426A>C (p.Asn2476His)

Gene: ADGRV1 (adhesion G protein-coupled receptor V1; plus strand). Cytogenetic location: 5q14.3.
Variant type: single nucleotide variant.
Coding change: c.7426A>C on transcript NM_032119.4 (MANE Select); coding-DNA position 7426, A replaced by C.
Protein change: p.Asn2476His; replaces asparagine 2476 with histidine.
Molecular consequence: missense variant. On other transcripts: non-coding transcript variant (1).
Genome position (GRCh38, 1-based): chr5:90,694,182, A>C. VCF-style: chr5-90694182-A-C. GRCh37 (hg19) VCF-style: chr5-89989999-A-C.
Other names: short protein forms N2476H.
Identifiers: ClinVar variation 1522619 (VCV001522619.8), dbSNP rs2149640727, ClinGen allele CA360377350.

ClinVar aggregate classification (germline): Uncertain significance (1 of 4 stars; one submission).

gnomAD v4.1: 1 of 1,613,884 alleles (0.000062%); highest among the groups gnomAD compares: Non-Finnish European, 0.000085%; no homozygotes.

Submission:

Labcorp Genetics (formerly Invitae), Labcorp
Classification: Uncertain significance. Last evaluated: 2022-03-19. Review status: criteria provided, single submitter. Criteria: Invitae Variant Classification Sherloc (09022015). Collection method: clinical testing. Allele origin: germline.
Comment: Algorithms developed to predict the effect of missense changes on protein structure and function output the following: SIFT: "Tolerated"; PolyPhen-2: "Benign"; Align-GVGD: "Class C0". The histidine amino acid residue is found in multiple mammalian species, which suggests that this missense change does not adversely affect protein function. This sequence change replaces asparagine, which is neutral and polar, with histidine, which is basic and polar, at codon 2476 of the ADGRV1 protein (p.Asn2476His). This variant is not present in population databases (gnomAD no frequency). This variant has not been reported in the literature in individuals affected with ADGRV1-related conditions. In summary, the available evidence is currently insufficient to determine the role of this variant in disease. Therefore, it has been classified as a Variant of Uncertain Significance.